The following is an entry in ClinVar:

ClinVar aggregate classification (germline): Uncertain significance (1 of 4 stars; one submission).

Submission:

Labcorp Genetics (formerly Invitae), Labcorp
Classification: Uncertain significance. Last evaluated: 2025-02-03. Review status: criteria provided, single submitter. Criteria: Invitae Variant Classification Sherloc (09022015). Collection method: clinical testing. Allele origin: germline.
Comment: This sequence change affects codon 1682 of the COL7A1 mRNA. It is a 'silent' change, meaning that it does not change the encoded amino acid sequence of the COL7A1 protein. This variant is not present in population databases (gnomAD no frequency). This variant has not been reported in the literature in individuals affected with COL7A1-related conditions. Algorithms developed to predict the effect of sequence changes on RNA splicing suggest that this variant may disrupt the consensus splice site. In summary, the available evidence is currently insufficient to determine the role of this variant in disease. Therefore, it has been classified as a Variant of Uncertain Significance.

NM_000094.4(COL7A1):c.5046A>G (p.Gly1682=)

Gene: COL7A1 (collagen type VII alpha 1 chain; minus strand). Cytogenetic location: 3p21.31.
Variant type: single nucleotide variant.
Coding change: c.5046A>G on transcript NM_000094.4 (MANE Select); coding-DNA position 5046, A replaced by G.
Protein change: p.Gly1682=; no amino-acid change (glycine 1682 retained).
Molecular consequence: synonymous variant.
Genome position (GRCh38, 1-based): chr3:48,580,587, T>C on the plus strand (A>G on the coding strand, the complement: COL7A1 is on the minus strand). VCF-style: chr3-48580587-T-C. GRCh37 (hg19) VCF-style: chr3-48618020-T-C.
Identifiers: ClinVar variation 4712228 (VCV004712228.1).
Genomic context (GRCh38, chr3:48,580,587, plus strand): 5'-ATTGGCTGGTTGGAGGGTTAAGGTTGGGGTGAGGAGTCATAGGCTGGGACTCACATTTCG[T>C]CCATCCTCTCCAGGATCTCCCTGGTCTCCCTTTTCACCCACAGGCCCCCGAACTCCAGGT-3'
Protein context (NP_000085.1, residues 1672-1692): KGDQGDPGED[Gly1682=]RNGSPGSSGP